The following is an entry in ClinVar:

NM_001367624.2(ZNF469):c.11241_11242dup (p.Ser3748fs)

Gene: ZNF469 (zinc finger protein 469; plus strand). Cytogenetic location: 16q24.2.
Variant type: Duplication.
Coding change: c.11241_11242dup on transcript NM_001367624.2 (MANE Select); coding-DNA positions 11241 to 11242, 2 bases duplicated (CA; older notation c.11241_11242dupCA).
Protein change: p.Ser3748fs; shifts the reading frame from serine 3748.
Molecular consequence: frameshift variant.
Genome position (GRCh38, 1-based): chr16:88,438,711-88,438,712, CA duplicated. VCF-style (leftmost placement, unchanged base first): chr16-88438710-G-GCA. GRCh37 (hg19) VCF-style: chr16-88505118-G-GCA.
Other names: c.11241_11242dupCA (NM_001367624.2); short protein forms S3748fs.
Identifiers: ClinVar variation 3907525 (VCV003907525.1).
Genomic context (GRCh38, chr16:88,438,710, plus strand): 5'-AACCCGGCCCCAGCTCCCAGGGCAGTGGAAGCCCTCGCCCCGGCACCAAGACAGGAGGTG[G>GCA]CAGCCAGCCCCAGCCAGCCAGCGGGCAGCTCCAGAGCGAGACAGCCACCACCCCAGCCAA-3'

ClinVar aggregate classification (germline): Uncertain significance (1 of 4 stars; one submission).

Submission:

Women's Health and Genetics/Laboratory Corporation of America, LabCorp
Classification: Uncertain significance. Last evaluated: 2025-06-26. Review status: criteria provided, single submitter. Criteria: LabCorp Variant Classification Summary - May 2015. Collection method: clinical testing. Allele origin: germline.
Comment: Variant summary: ZNF469 c.11241_11242dupCA (p.Ser3748ThrfsX59) results in a premature termination codon, predicted to cause a truncation of the encoded protein, however nonsense mediated decay is not predicted and no pathogenic variants were observed downstream. The variant was absent in 148196 control chromosomes. The available data on variant occurrences in the general population are insufficient to allow any conclusion about variant significance. To our knowledge, no occurrence of c.11241_11242dupCA in individuals affected with Brittle cornea syndrome 1 and no experimental evidence demonstrating its impact on protein function have been reported. No submitters have cited clinical-significance assessments for this variant to ClinVar. Based on the evidence outlined above, the variant was classified as uncertain significance.